The following is an entry in ClinVar:

ClinVar aggregate classification (germline): Uncertain significance (1 of 4 stars; one submission).

Submission:

Labcorp Genetics (formerly Invitae), Labcorp
Classification: Uncertain significance. Last evaluated: 2021-08-31. Review status: criteria provided, single submitter. Criteria: Invitae Variant Classification Sherloc (09022015). Collection method: clinical testing. Allele origin: germline.
Comment: This sequence change replaces glycine with valine at codon 112 of the SBF1 protein (p.Gly112Val). The glycine residue is weakly conserved and there is a moderate physicochemical difference between glycine and valine. This variant is not present in population databases (ExAC no frequency). This variant has not been reported in the literature in individuals affected with SBF1-related conditions. Algorithms developed to predict the effect of missense changes on protein structure and function output the following: SIFT: "Tolerated"; PolyPhen-2: "Benign"; Align-GVGD: "Class C0". The valine amino acid residue is found in multiple mammalian species, which suggests that this missense change does not adversely affect protein function. In summary, the available evidence is currently insufficient to determine the role of this variant in disease. Therefore, it has been classified as a Variant of Uncertain Significance.

NM_002972.4(SBF1):c.335G>T (p.Gly112Val)

Gene: SBF1 (SET binding factor 1; minus strand). Cytogenetic location: 22q13.33.
Variant type: single nucleotide variant.
Coding change: c.335G>T on transcript NM_002972.4 (MANE Select); coding-DNA position 335, G replaced by T.
Protein change: p.Gly112Val; replaces glycine 112 with valine.
Molecular consequence: missense variant.
Genome position (GRCh38, 1-based): chr22:50,467,635, C>A on the plus strand (G>T on the coding strand, the complement: SBF1 is on the minus strand). VCF-style: chr22-50467635-C-A. GRCh37 (hg19) VCF-style: chr22-50906064-C-A.
Other names: c.338G>T, p.Gly113Val (NM_001365819.1); short protein forms G113V, G112V.
Identifiers: ClinVar variation 1469625 (VCV001469625.6), dbSNP rs2148605187, ClinGen allele CA412223472.